The following is an entry in ClinVar:

ClinVar aggregate classification (germline): Uncertain significance (1 of 4 stars; one submission).

Submission:

CeGaT Center for Human Genetics Tuebingen
Classification: Uncertain significance. Last evaluated: 2025-05-01. Review status: criteria provided, single submitter. Criteria: CeGaT Center For Human Genetics Tuebingen Variant Classification Criteria Version 2. Collection method: clinical testing. Allele origin: germline. Affected: yes. Observed: 1 variant allele.
Comment: ANKRD17: PM2, PP2

NM_032217.5(ANKRD17):c.1439T>G (p.Val480Gly)

Gene: ANKRD17 (ankyrin repeat domain 17; minus strand). Cytogenetic location: 4q13.3.
Variant type: single nucleotide variant.
Coding change: c.1439T>G on transcript NM_032217.5 (MANE Select); coding-DNA position 1439, T replaced by G.
Protein change: p.Val480Gly; replaces valine 480 with glycine.
Molecular consequence: missense variant.
Genome position (GRCh38, 1-based): chr4:73,148,941, A>C on the plus strand (T>G on the coding strand, the complement: ANKRD17 is on the minus strand). VCF-style: chr4-73148941-A-C. GRCh37 (hg19) VCF-style: chr4-74014658-A-C.
Other names: c.1100T>G, p.Val367Gly (NM_001286771.3); c.1439T>G, p.Val480Gly (NM_015574.2, NM_198889.3); short protein forms V367G, V480G.
Identifiers: ClinVar variation 3905939 (VCV003905939.10).